The following is an entry in ClinVar:

ClinVar aggregate classification (germline): Uncertain significance. Review status: criteria provided, multiple submitters, no conflicts (2 of 4 stars). 3 submissions from 3 submitters: Uncertain significance (3). Last evaluated 2024-03-12.

Conditions:
Glycogen storage disease, type II (IOPD). Also called: Pompe Disease; GLYCOGENOSIS, GENERALIZED, CARDIAC FORM; GSD II; POMPE DISEASE, INFANTILE-ONSET; GLYCOGEN STORAGE DISEASE II, INFANTILE-ONSET; ACID ALPHA-GLUCOSIDASE DEFICIENCY, INFANTILE-ONSET. Identifiers: Orphanet 365, MedGen C0017921, MONDO:0009290, OMIM 232300.

Allele frequency attached by ClinVar (database versions not stated): gnomAD exomes below 0.00001.
gnomAD v4.1: 4 of 1,610,278 alleles (0.00025%); highest among the groups gnomAD compares: Admixed American, 0.005%; no homozygotes.

Submissions (3):

Revvity Omics, Revvity
Classification: Uncertain significance. Last evaluated: 2024-03-12. Review status: criteria provided, single submitter. Criteria: ACMG Guidelines, 2015. Collection method: clinical testing. Allele origin: germline.

Labcorp Genetics (formerly Invitae), Labcorp
Classification: Uncertain significance for Glycogen storage disease, type II. Last evaluated: 2022-02-10. Review status: criteria provided, single submitter. Criteria: Invitae Variant Classification Sherloc (09022015). Collection method: clinical testing. Allele origin: germline.
Comment: This sequence change replaces glycine, which is neutral and non-polar, with alanine, which is neutral and non-polar, at codon 2 of the GAA protein (p.Gly2Ala). This variant is present in population databases (no rsID available, gnomAD 0.003%). This variant has not been reported in the literature in individuals affected with GAA-related conditions. ClinVar contains an entry for this variant (Variation ID: 500929). Advanced modeling of protein sequence and biophysical properties (such as structural, functional, and spatial information, amino acid conservation, physicochemical variation, residue mobility, and thermodynamic stability) performed at Invitae indicates that this missense variant is not expected to disrupt GAA protein function. In summary, the available evidence is currently insufficient to determine the role of this variant in disease. Therefore, it has been classified as a Variant of Uncertain Significance.

Eurofins Ntd Llc (ga)
Classification: Uncertain significance. Last evaluated: 2017-03-23. Review status: criteria provided, single submitter. Criteria: EGL Classification Definitions 2015. Collection method: clinical testing. Allele origin: germline. Observed: 1 variant allele, 1 heterozygote.

NM_000152.5(GAA):c.5G>C (p.Gly2Ala)

Gene: GAA (alpha glucosidase; plus strand). Cytogenetic location: 17q25.3.
Variant type: single nucleotide variant.
Coding change: c.5G>C on transcript NM_000152.5 (MANE Select); coding-DNA position 5, G replaced by C.
Protein change: p.Gly2Ala; replaces glycine 2 with alanine.
Molecular consequence: missense variant.
Genome position (GRCh38, 1-based): chr17:80,104,591, G>C. VCF-style: chr17-80104591-G-C. GRCh37 (hg19) VCF-style: chr17-78078390-G-C.
Other names: c.5G>C, p.Gly2Ala (NM_001079803.3, NM_001079804.3); short protein forms G2A.
Identifiers: ClinVar variation 500929 (VCV000500929.11), dbSNP rs1245992455, ClinGen allele CA401359825.